The following is an entry in ClinVar:

ClinVar aggregate classification (germline): Likely pathogenic (1 of 4 stars; one submission).

Conditions:
Peroxisome biogenesis disorder. Identifiers: Orphanet 79189, MedGen C1832200, MONDO:0019234. Disease mechanism: loss of function.

Submission:

Myriad Genetics, Inc.
Classification: Likely pathogenic for Peroxisome biogenesis disorder. Last evaluated: 2022-02-17. Review status: criteria provided, single submitter. Criteria: Myriad Autosomal Dominant, Autosomal Recessive and X-Linked Classification Criteria (2023). Collection method: clinical testing. Allele origin: unknown.
Comment: NM_000466.2(PEX1):c.1374_1375delTGinsA(S458Rfs*5) is expected to be pathogenic in the context of peroxisome biogenesis disorder type 1. This variant is predicted to lead to an abnormal or absent protein product due to the creation of a premature termination codon in PEX1, a gene where loss-of-function variants are known to be pathogenic. Please note: this variant was assessed in the context of healthy population screening.

NM_000466.3(PEX1):c.1374_1375delinsA (p.Ser458fs)

Gene: PEX1 (peroxisomal biogenesis factor 1; minus strand). Cytogenetic location: 7q21.2.
Variant type: Indel.
Coding change: c.1374_1375delinsA on transcript NM_000466.3 (MANE Select); coding-DNA positions 1374 to 1375, TG replaced by A.
Protein change: p.Ser458fs; shifts the reading frame from serine 458.
Molecular consequence: frameshift variant.
Genome position (GRCh38, 1-based): chr7:92,511,688-92,511,689, CA replaced by T on the plus strand (TG replaced by A on the coding strand, the reverse complement: PEX1 is on the minus strand). VCF-style: chr7-92511688-CA-T. GRCh37 (hg19) VCF-style: chr7-92141002-CA-T.
Other names: c.1374_1375delinsA, p.Ser458fs (NM_001282677.2); c.750_751delinsA, p.Ser250fs (NM_001282678.2); short protein forms S250fs, S458fs.
Identifiers: ClinVar variation 1724433 (VCV001724433.3), dbSNP rs2484687766, ClinGen allele CA2580078201.